The following is an entry in ClinVar:

NM_017617.5(NOTCH1):c.5495C>G (p.Pro1832Arg)

Gene: NOTCH1 (notch receptor 1; minus strand). Cytogenetic location: 9q34.3.
Variant type: single nucleotide variant.
Coding change: c.5495C>G on transcript NM_017617.5 (MANE Select); coding-DNA position 5495, C replaced by G.
Protein change: p.Pro1832Arg; replaces proline 1832 with arginine.
Molecular consequence: missense variant.
Genome position (GRCh38, 1-based): chr9:136,501,891, G>C on the plus strand (C>G on the coding strand, the complement: NOTCH1 is on the minus strand). VCF-style: chr9-136501891-G-C. GRCh37 (hg19) VCF-style: chr9-139396343-G-C.
Other names: short protein forms P1832R.
Identifiers: ClinVar variation 1312674 (VCV001312674.9), dbSNP rs1425070721, ClinGen allele CA375639499.

ClinVar aggregate classification (germline): Conflicting classifications of pathogenicity. Review status: criteria provided, conflicting classifications (1 of 4 stars). 5 submissions from 4 submitters: Uncertain significance (4); Likely benign (1). Last evaluated 2024-03-11.

Conditions:
Adams-Oliver syndrome 5 (AOS5). Identifiers: Orphanet 974, MedGen C4014970, MONDO:0014459, OMIM 616028.
Familial thoracic aortic aneurysm and aortic dissection (TAAD). Also called: Thoracic aortic aneurysms and dissections. Identifiers: Orphanet 91387, MedGen C4707243, MONDO:0019625.
Aortic valve disease 1 (AOVD1). Identifiers: MedGen C3887892, MONDO:0024523, OMIM 109730.

Allele frequency attached by ClinVar (database versions not stated): gnomAD exomes below 0.00001 and 0.00001; gnomAD 0.00001; TOPMed 0.00001.
gnomAD v4.1: 14 of 1,612,034 alleles (0.00087%); highest among the groups gnomAD compares: Admixed American, 0.005%; no homozygotes.

Submissions (5):

Ambry Genetics
Classification: Uncertain significance for Familial thoracic aortic aneurysm and aortic dissection. Last evaluated: 2024-03-11. Review status: criteria provided, single submitter. Criteria: Ambry Variant Classification Scheme 2023. Collection method: clinical testing. Allele origin: germline.
Comment: The p.P1832R variant (also known as c.5495C>G), located in coding exon 30 of the NOTCH1 gene, results from a C to G substitution at nucleotide position 5495. The proline at codon 1832 is replaced by arginine, an amino acid with dissimilar properties. This amino acid position is conserved. In addition, the in silico prediction for this alteration is inconclusive. Based on the available evidence, the clinical significance of this alteration remains unclear.

Labcorp Genetics (formerly Invitae), Labcorp
Classification: Likely benign for Adams-Oliver syndrome 5. Last evaluated: 2023-11-25. Review status: criteria provided, single submitter. Criteria: Invitae Variant Classification Sherloc (09022015). Collection method: clinical testing. Allele origin: germline.

Genome-Nilou Lab
Classification: Uncertain significance for Adams-Oliver syndrome 5. Last evaluated: 2022-03-15. Review status: criteria provided, single submitter. Criteria: ACMG Guidelines, 2015. Collection method: clinical testing. Allele origin: germline. Affected: no.

Genome-Nilou Lab
Classification: Uncertain significance for Aortic valve disease 1. Last evaluated: 2022-03-15. Review status: criteria provided, single submitter. Criteria: ACMG Guidelines, 2015. Collection method: clinical testing. Allele origin: germline. Affected: no.

GeneDx
Classification: Uncertain significance. Last evaluated: 2021-02-19. Review status: criteria provided, single submitter. Criteria: GeneDx Variant Classification Process June 2021. Collection method: clinical testing. Allele origin: germline. Affected: yes.
Comment: Has not been previously published as pathogenic or benign to our knowledge; Not observed at a significant frequency in large population cohorts (Lek et al., 2016); In silico analysis supports that this missense variant has a deleterious effect on protein structure/function